The following is an entry in ClinVar:

NM_015874.6(RBPJ):c.257C>T (p.Pro86Leu)

Gene: RBPJ (recombination signal binding protein for immunoglobulin kappa J region; plus strand). Cytogenetic location: 4p15.2.
Variant type: single nucleotide variant.
Coding change: c.257C>T on transcript NM_015874.6 (MANE Select); coding-DNA position 257, C replaced by T.
Protein change: p.Pro86Leu; replaces proline 86 with leucine.
Molecular consequence: missense variant.
Genome position (GRCh38, 1-based): chr4:26,415,576, C>T. VCF-style: chr4-26415576-C-T. GRCh37 (hg19) VCF-style: chr4-26417198-C-T.
Other names: c.296C>T (NM_005349.2); c.191C>T, p.Pro64Leu (NM_001363577.2, NM_203283.5); c.296C>T, p.Pro99Leu (NM_001374400.1, NM_001379408.1, NM_005349.4); c.254C>T, p.Pro85Leu (NM_001374401.1, NM_001374402.1, NM_001374403.1 and 3 more transcripts); c.251C>T, p.Pro84Leu (NM_001379409.1); short protein forms P64L, P84L, P85L, P86L, P99L.
Identifiers: ClinVar variation 3615011 (VCV003615011.3).

ClinVar aggregate classification (germline): Uncertain significance. Review status: criteria provided, multiple submitters, no conflicts (2 of 4 stars). 2 submissions from 2 submitters: Uncertain significance (2). Last evaluated 2025-08-05.

Conditions:
Inborn genetic diseases. Identifiers: MedGen C0950123, MeSH D030342.

gnomAD v4.1: 23 of 1,611,638 alleles (0.0014%); highest among the groups gnomAD compares: African/African-American, 0.0054%; no homozygotes.

Submissions (2):

Ambry Genetics
Classification: Uncertain significance for Inborn genetic diseases. Last evaluated: 2025-08-05. Review status: criteria provided, single submitter. Criteria: Ambry Variant Classification Scheme 2023. Collection method: clinical testing. Allele origin: germline.

Labcorp Genetics (formerly Invitae), Labcorp
Classification: Uncertain significance. Last evaluated: 2025-04-28. Review status: criteria provided, single submitter. Criteria: Invitae Variant Classification Sherloc (09022015). Collection method: clinical testing. Allele origin: germline.
Comment: This sequence change replaces proline, which is neutral and non-polar, with leucine, which is neutral and non-polar, at codon 99 of the RBPJ protein (p.Pro99Leu). This variant is present in population databases (rs752922399, gnomAD 0.006%). This variant has not been reported in the literature in individuals affected with RBPJ-related conditions. ClinVar contains an entry for this variant (Variation ID: 3615011). Invitae Evidence Modeling of protein sequence and biophysical properties (such as structural, functional, and spatial information, amino acid conservation, physicochemical variation, residue mobility, and thermodynamic stability) indicates that this missense variant is not expected to disrupt RBPJ protein function with a negative predictive value of 80%. In summary, the available evidence is currently insufficient to determine the role of this variant in disease. Therefore, it has been classified as a Variant of Uncertain Significance.